The following is an entry in ClinVar:

ClinVar aggregate classification (germline): Uncertain significance. Review status: criteria provided, multiple submitters, no conflicts (2 of 4 stars). 2 submissions from 2 submitters: Uncertain significance (2). Last evaluated 2026-03-22.

Conditions:
Hereditary cancer-predisposing syndrome. Also called: Hereditary neoplastic syndrome; Neoplastic Syndromes, Hereditary; Tumor predisposition; Hereditary Cancer Syndrome. Identifiers: Orphanet 140162, MedGen C0027672, MeSH D009386, MONDO:0015356.

Allele frequency attached by ClinVar (database versions not stated): TOPMed below 0.00001; gnomAD 0.00001.
gnomAD v4.1: 1 of 1,614,008 alleles (0.000062%); no homozygotes.

Submissions (2):

Ambry Genetics
Classification: Uncertain significance for Hereditary cancer-predisposing syndrome. Last evaluated: 2026-03-22. Review status: criteria provided, single submitter. Criteria: Ambry Variant Classification Scheme 2023. Collection method: clinical testing. Allele origin: germline.
Comment: The p.L1975V variant (also known as c.5923T>G), located in coding exon 43 of the POLE gene, results from a T to G substitution at nucleotide position 5923. The leucine at codon 1975 is replaced by valine, an amino acid with highly similar properties. This amino acid position is conserved. In addition, this alteration is predicted to be tolerated by in silico analysis. Based on the available evidence, the clinical significance of this variant remains unclear.

Labcorp Genetics (formerly Invitae), Labcorp
Classification: Uncertain significance. Last evaluated: 2020-06-08. Review status: criteria provided, single submitter. Criteria: Invitae Variant Classification Sherloc (09022015). Collection method: clinical testing. Allele origin: germline.
Comment: This sequence change replaces leucine with valine at codon 1975 of the POLE protein (p.Leu1975Val). The leucine residue is moderately conserved and there is a small physicochemical difference between leucine and valine. This variant is not present in population databases (ExAC no frequency). This variant has not been reported in the literature in individuals with POLE-related conditions. Algorithms developed to predict the effect of missense changes on protein structure and function (SIFT, PolyPhen-2, Align-GVGD) all suggest that this variant is likely to be tolerated, but these predictions have not been confirmed by published functional studies and their clinical significance is uncertain. In summary, the available evidence is currently insufficient to determine the role of this variant in disease. Therefore, it has been classified as a Variant of Uncertain Significance.

NM_006231.4(POLE):c.5923T>G (p.Leu1975Val)

Gene: POLE (DNA polymerase epsilon, catalytic subunit; minus strand). Cytogenetic location: 12q24.33.
Variant type: single nucleotide variant.
Coding change: c.5923T>G on transcript NM_006231.4 (MANE Select); coding-DNA position 5923, T replaced by G.
Protein change: p.Leu1975Val; replaces leucine 1975 with valine.
Molecular consequence: missense variant.
Genome position (GRCh38, 1-based): chr12:132,634,267, A>C on the plus strand (T>G on the coding strand, the complement: POLE is on the minus strand). VCF-style: chr12-132634267-A-C. GRCh37 (hg19) VCF-style: chr12-133210853-A-C.
Other names: c.5923T>G (NM_006231.2); short protein forms L1975V.
Identifiers: ClinVar variation 1004462 (VCV001004462.9), dbSNP rs1428750896, ClinGen allele CA387371585.